The following is an entry in ClinVar:

NM_000038.6(APC):c.5776del (p.Ile1926fs)

Gene: APC (APC regulator of Wnt signaling pathway; plus strand). Cytogenetic location: 5q22.2.
Variant type: Deletion.
Coding change: c.5776del on transcript NM_000038.6 (MANE Select); coding-DNA position 5776, one base deleted (A; older notation c.5776delA).
Protein change: p.Ile1926fs; shifts the reading frame from isoleucine 1926.
Molecular consequence: frameshift variant. On other transcripts: non-coding transcript variant (2).
Genome position (GRCh38, 1-based): chr5:112,841,370, A deleted. VCF-style (leftmost placement, unchanged base first): chr5-112841369-CA-C. GRCh37 (hg19) VCF-style: chr5-112177066-CA-C.
Other names: c.5776del, p.Ile1926fs (NM_001127510.3, NM_001354895.2, NM_001407450.1); c.5722del, p.Ile1908fs (NM_001127511.3); c.5830del, p.Ile1944fs (NM_001354896.2, NM_001407447.1, NM_001407448.1 and 1 more transcripts); c.5806del, p.Ile1936fs (NM_001354897.2); c.5701del, p.Ile1901fs (NM_001354898.2); c.5692del, p.Ile1898fs (NM_001354899.2); c.5653del, p.Ile1885fs (NM_001354900.2); c.5599del, p.Ile1867fs (NM_001354901.2, NM_001407453.1); and 11 more; short protein forms I1542fs, I1643fs, I1766fs, I1797fs, I1800fs, I1825fs, I1835fs, I1843fs.
Identifiers: ClinVar variation 2583890 (VCV002583890.2), dbSNP rs2533666381, ClinGen allele CA2582341472.

ClinVar aggregate classification (germline): Pathogenic (1 of 4 stars; one submission).

Conditions:
Familial adenomatous polyposis 1 (FAP1). Also called: FAMILIAL ADENOMATOUS POLYPOSIS 1, ATTENUATED; POLYPOSIS, ADENOMATOUS INTESTINAL. Identifiers: MedGen C2713442, MONDO:0021056, OMIM 175100. Disease mechanism: loss of function.

Submission:

Myriad Genetics, Inc.
Classification: Pathogenic for Familial adenomatous polyposis 1. Last evaluated: 2023-05-12. Review status: criteria provided, single submitter. Criteria: Myriad Autosomal Dominant, Autosomal Recessive and X-Linked Classification Criteria (2023). Collection method: clinical testing. Allele origin: unknown.
Comment: This variant is considered pathogenic. This variant creates a frameshift predicted to result in premature protein truncation.